The following is an entry in ClinVar:

ClinVar aggregate classification (germline): Uncertain significance (1 of 4 stars; one submission).

Conditions:
Cardiovascular phenotype. Identifiers: MedGen CN230736.

gnomAD v4.1: 5 of 1,550,218 alleles (0.00032%); highest among the groups gnomAD compares: Non-Finnish European, 0.00044%; no homozygotes.

Submission:

Ambry Genetics
Classification: Uncertain significance for Cardiovascular phenotype. Last evaluated: 2026-05-23. Review status: criteria provided, single submitter. Criteria: Ambry Variant Classification Scheme 2023. Collection method: clinical testing. Allele origin: germline.
Comment: The p.L760F variant (also known as c.2280G>T), located in coding exon 3 of the TNXB gene, results from a G to T substitution at nucleotide position 2280. The leucine at codon 760 is replaced by phenylalanine, an amino acid with highly similar properties. This amino acid position is conserved. In addition, this alteration is predicted to be tolerated by in silico analysis. Based on the available evidence, the clinical significance of this variant remains unclear.

NM_001365276.2(TNXB):c.2280G>T (p.Leu760Phe)

Gene: TNXB (tenascin XB; minus strand). Cytogenetic location: 6p21.33.
Variant type: single nucleotide variant.
Coding change: c.2280G>T on transcript NM_001365276.2 (MANE Select); coding-DNA position 2280, G replaced by T.
Protein change: p.Leu760Phe; replaces leucine 760 with phenylalanine.
Molecular consequence: missense variant.
Genome position (GRCh38, 1-based): chr6:32,095,154, C>A on the plus strand (G>T on the coding strand, the complement: TNXB is on the minus strand). VCF-style: chr6-32095154-C-A. GRCh37 (hg19) VCF-style: chr6-32062931-C-A.
Other names: c.2280G>T, p.Leu760Phe (NM_001428335.1, NM_019105.8); short protein forms L760F.
Identifiers: ClinVar variation 4865838 (VCV004865838.1).